The following is an entry in ClinVar:

ClinVar aggregate classification (germline): Uncertain significance (1 of 4 stars; one submission).

Conditions:
Gorlin syndrome. Also called: Nevoid Basal Cell Carcinoma Syndrome; Basal cell nevus syndrome. Identifiers: Orphanet 377, MedGen C0004779, MONDO:0007187.

Submission:

Labcorp Genetics (formerly Invitae), Labcorp
Classification: Uncertain significance for Gorlin syndrome. Last evaluated: 2025-01-28. Review status: criteria provided, single submitter. Criteria: Invitae Variant Classification Sherloc (09022015). Collection method: clinical testing. Allele origin: germline.
Comment: This sequence change results in a frameshift in the PTCH1 gene (p.Asp1405Thrfs*46). While this is not anticipated to result in nonsense mediated decay, it is expected to disrupt the last 43 amino acid(s) of the PTCH1 protein and extend the protein by 2 additional amino acid residues. This variant is not present in population databases (gnomAD no frequency). This variant has not been reported in the literature in individuals affected with PTCH1-related conditions. Experimental studies and prediction algorithms are not available or were not evaluated, and the functional significance of this variant is currently unknown. In summary, the available evidence is currently insufficient to determine the role of this variant in disease. Therefore, it has been classified as a Variant of Uncertain Significance.

NM_000264.5(PTCH1):c.4212_4215del (p.Asp1405fs)

Gene: PTCH1 (patched 1; minus strand). Cytogenetic location: 9q22.32.
Variant type: Deletion.
Coding change: c.4212_4215del on transcript NM_000264.5 (MANE Select); coding-DNA positions 4212 to 4215, 4 bases deleted (TGAC; older notation c.4212_4215delTGAC).
Protein change: p.Asp1405fs; shifts the reading frame from aspartic acid 1405.
Molecular consequence: frameshift variant. On other transcripts: non-coding transcript variant (1).
Genome position (GRCh38, 1-based): chr9:95,447,041-95,447,044, GTCA deleted on the plus strand (TGAC on the coding strand, the reverse complement: PTCH1 is on the minus strand); deleting any 4 consecutive bases within chr9:95,447,041-95,447,047 gives the same sequence; the c. name uses the placement nearest the transcript's 3' end. VCF-style (leftmost placement, unchanged base first): chr9-95447040-GGTCA-G. GRCh37 (hg19) VCF-style: chr9-98209322-GGTCA-G.
Other names: c.4209_4212del, p.Asp1404fs (NM_001083603.3); c.3759_3762del, p.Asp1254fs (NM_001083604.3, NM_001083605.3, NM_001083606.3 and 1 more transcripts); c.4056_4059del, p.Asp1353fs (NM_001354918.2); c.4014_4017del, p.Asp1339fs (NM_001083602.3); short protein forms D1254fs, D1339fs, D1405fs, D1353fs, D1404fs.
Identifiers: ClinVar variation 3729698 (VCV003729698.2).